The following is an entry in ClinVar:

NM_024570.4(RNASEH2B):c.365T>G (p.Phe122Cys)

Gene: RNASEH2B (ribonuclease H2 subunit B; plus strand). Cytogenetic location: 13q14.3.
Variant type: single nucleotide variant.
Coding change: c.365T>G on transcript NM_024570.4 (MANE Select); coding-DNA position 365, T replaced by G.
Protein change: p.Phe122Cys; replaces phenylalanine 122 with cysteine.
Molecular consequence: missense variant.
Genome position (GRCh38, 1-based): chr13:50,934,928, T>G. VCF-style: chr13-50934928-T-G. GRCh37 (hg19) VCF-style: chr13-51509064-T-G.
Other names: c.365T>G, p.Phe122Cys (NM_001142279.2, NM_001411023.1); short protein forms F122C.
Identifiers: ClinVar variation 2114426 (VCV002114426.1), dbSNP rs751788888, ClinGen allele CA6985551.
Genomic context (GRCh38, chr13:50,934,928, plus strand): 5'-ACTAACTGTTTTTTCAGGGGAAGTTTCAGCCCCTTGATCAAGTTGTGGTGGATAACGTGT[T>G]TCCAAATTGCATCTTGTTGCTGAAACTTCCTGGACTTGAGAAGTTACTTCATCATGTGAC-3'
Protein context (NP_078846.2, residues 112-132): PLDQVVVDNV[Phe122Cys]PNCILLLKLP

ClinVar aggregate classification (germline): Uncertain significance (1 of 4 stars; one submission).

Conditions:
Aicardi-Goutieres syndrome 2. Identifiers: Orphanet 51, MedGen C3489724, MONDO:0012429, OMIM 610181.

Allele frequency attached by ClinVar (database versions not stated): gnomAD exomes below 0.00001; TOPMed below 0.00001; ExAC 0.00001; gnomAD 0.00001.
gnomAD v4.1: 3 of 1,613,988 alleles (0.00019%); highest among the groups gnomAD compares: Non-Finnish European, 0.00025%; no homozygotes.

Submission:

Labcorp Genetics (formerly Invitae), Labcorp
Classification: Uncertain significance for Aicardi-Goutieres syndrome 2. Last evaluated: 2022-05-16. Review status: criteria provided, single submitter. Criteria: Invitae Variant Classification Sherloc (09022015). Collection method: clinical testing. Allele origin: germline.
Comment: This sequence change replaces phenylalanine, which is neutral and non-polar, with cysteine, which is neutral and slightly polar, at codon 122 of the RNASEH2B protein (p.Phe122Cys). This variant is present in population databases (rs751788888, gnomAD 0.0009%). This variant has not been reported in the literature in individuals affected with RNASEH2B-related conditions. Algorithms developed to predict the effect of missense changes on protein structure and function are either unavailable or do not agree on the potential impact of this missense change (SIFT: "Tolerated"; PolyPhen-2: "Probably Damaging"; Align-GVGD: "Class C0"). In summary, the available evidence is currently insufficient to determine the role of this variant in disease. Therefore, it has been classified as a Variant of Uncertain Significance.